The following is an entry in ClinVar:

ClinVar aggregate classification (germline): Uncertain significance. Review status: criteria provided, multiple submitters, no conflicts (2 of 4 stars). 2 submissions from 2 submitters: Uncertain significance (2). Last evaluated 2025-08-13.

Conditions:
Hereditary cancer-predisposing syndrome. Also called: Hereditary Cancer Syndrome; Tumor predisposition; Neoplastic Syndromes, Hereditary; Hereditary neoplastic syndrome. Identifiers: Orphanet 140162, MedGen C0027672, MeSH D009386, MONDO:0015356.
Neuroblastoma, susceptibility to, 3. Also called: ALK-Related Neuroblastic Tumor Susceptibility. Identifiers: Orphanet 635, MedGen C2751681, MONDO:0013083, OMIM 613014.

Allele frequency attached by ClinVar (database versions not stated): gnomAD exomes below 0.00001.
gnomAD v4.1: 1 of 1,614,244 alleles (0.000062%); highest among the groups gnomAD compares: Non-Finnish European, 0.000085%; no homozygotes.

Submissions (2):

Labcorp Genetics (formerly Invitae), Labcorp
Classification: Uncertain significance for Neuroblastoma, susceptibility to, 3. Last evaluated: 2025-08-13. Review status: criteria provided, single submitter. Criteria: Invitae Variant Classification Sherloc (09022015). Collection method: clinical testing. Allele origin: germline.
Comment: This sequence change replaces phenylalanine, which is neutral and non-polar, with serine, which is neutral and polar, at codon 856 of the ALK protein (p.Phe856Ser). This variant is not present in population databases (gnomAD no frequency). This variant has not been reported in the literature in individuals affected with ALK-related conditions. ClinVar contains an entry for this variant (Variation ID: 653234). An algorithm developed to predict the effect of missense changes on protein structure and function (PolyPhen-2) suggests that this variant is likely to be disruptive. Experimental studies have shown that this missense change affects ALK function (PMID: 26032424, 34646012). In summary, the available evidence is currently insufficient to determine the role of this variant in disease. Therefore, it has been classified as a Variant of Uncertain Significance.

Ambry Genetics
Classification: Uncertain significance for Hereditary cancer-predisposing syndrome. Last evaluated: 2025-01-20. Review status: criteria provided, single submitter. Criteria: Ambry Variant Classification Scheme 2023. Collection method: clinical testing. Allele origin: germline.
Comment: The p.F856S variant (also known as c.2567T>C), located in coding exon 15 of the ALK gene, results from a T to C substitution at nucleotide position 2567. The phenylalanine at codon 856 is replaced by serine, an amino acid with highly dissimilar properties. This amino acid position is well conserved in available vertebrate species. In addition, the in silico prediction for this alteration is inconclusive. Based on the available evidence, the clinical significance of this variant remains unclear.

Literature cited by the submitters: PubMed 26032424 (cited by Labcorp Genetics (formerly Invitae), Labcorp); PubMed 34646012 (cited by Labcorp Genetics (formerly Invitae), Labcorp).

NM_004304.5(ALK):c.2567T>C (p.Phe856Ser)

Gene: ALK (ALK receptor tyrosine kinase; minus strand). Cytogenetic location: 2p23.2.
Variant type: single nucleotide variant.
Coding change: c.2567T>C on transcript NM_004304.5 (MANE Select); coding-DNA position 2567, T replaced by C.
Protein change: p.Phe856Ser; replaces phenylalanine 856 with serine.
Molecular consequence: missense variant.
Genome position (GRCh38, 1-based): chr2:29,232,369, A>G on the plus strand (T>C on the coding strand, the complement: ALK is on the minus strand). VCF-style: chr2-29232369-A-G. GRCh37 (hg19) VCF-style: chr2-29455235-A-G.
Other names: short protein forms F856S.
Identifiers: ClinVar variation 653234 (VCV000653234.9), dbSNP rs1573139504, ClinGen allele CA346471792.